The following is an entry in ClinVar:

NM_014014.5(SNRNP200):c.3278G>A (p.Arg1093Gln)

Gene: SNRNP200 (small nuclear ribonucleoprotein U5 subunit 200; minus strand). Cytogenetic location: 2q11.2.
Variant type: single nucleotide variant.
Coding change: c.3278G>A on transcript NM_014014.5 (MANE Select); coding-DNA position 3278, G replaced by A.
Protein change: p.Arg1093Gln; replaces arginine 1093 with glutamine.
Molecular consequence: missense variant.
Genome position (GRCh38, 1-based): chr2:96,287,950, C>T on the plus strand (G>A on the coding strand, the complement: SNRNP200 is on the minus strand). VCF-style: chr2-96287950-C-T. GRCh37 (hg19) VCF-style: chr2-96953688-C-T.
Other names: short protein forms R1093Q.
Identifiers: ClinVar variation 1006330 (VCV001006330.8), dbSNP rs759003363, ClinGen allele CA1778493.

ClinVar aggregate classification (germline): Uncertain significance (1 of 4 stars; one submission).

Allele frequency attached by ClinVar (database versions not stated): gnomAD exomes below 0.00001 and 0.00001; ExAC 0.00001; TOPMed 0.00001.

Submission:

Labcorp Genetics (formerly Invitae), Labcorp
Classification: Uncertain significance. Last evaluated: 2022-07-12. Review status: criteria provided, single submitter. Criteria: Invitae Variant Classification Sherloc (09022015). Collection method: clinical testing. Allele origin: germline.
Comment: Algorithms developed to predict the effect of missense changes on protein structure and function are either unavailable or do not agree on the potential impact of this missense change (SIFT: "Deleterious"; PolyPhen-2: "Probably Damaging"; Align-GVGD: "Class C0"). This sequence change replaces arginine, which is basic and polar, with glutamine, which is neutral and polar, at codon 1093 of the SNRNP200 protein (p.Arg1093Gln). This variant is present in population databases (rs759003363, gnomAD 0.006%). This variant has not been reported in the literature in individuals affected with SNRNP200-related conditions. ClinVar contains an entry for this variant (Variation ID: 1006330). In summary, the available evidence is currently insufficient to determine the role of this variant in disease. Therefore, it has been classified as a Variant of Uncertain Significance.